The following is an entry in ClinVar:

NM_001349253.2(SCN11A):c.4786G>C (p.Val1596Leu)

Gene: SCN11A (sodium voltage-gated channel alpha subunit 11; minus strand). Cytogenetic location: 3p22.2.
Variant type: single nucleotide variant.
Coding change: c.4786G>C on transcript NM_001349253.2 (MANE Select); coding-DNA position 4786, G replaced by C.
Protein change: p.Val1596Leu; replaces valine 1596 with leucine.
Molecular consequence: missense variant.
Genome position (GRCh38, 1-based): chr3:38,847,284, C>G on the plus strand (G>C on the coding strand, the complement: SCN11A is on the minus strand). VCF-style: chr3-38847284-C-G. GRCh37 (hg19) VCF-style: chr3-38888775-C-G.
Other names: c.4786G>C, p.Val1596Leu (NM_014139.3); short protein forms V1596L.
Identifiers: ClinVar variation 4783044 (VCV004783044.1).
Genomic context (GRCh38, chr3:38,847,284, plus strand): 5'-CCTCACTTTCTTCAGTGGCTGTATTGAAGTTCTCTAAAATCACAGCAATGTACATGTTGA[C>G]AACAATGAGAAAGGAGATGATAATGTAACTGACAAAGTAGGATGTGGCTATGCCAGGGAG-3'
Protein context (NP_001336182.1, residues 1586-1606): SYIIISFLIV[Val1596Leu]NMYIAVILEN

ClinVar aggregate classification (germline): Uncertain significance (1 of 4 stars; one submission).

Conditions:
Familial episodic pain syndrome with predominantly lower limb involvement. Also called: Episodic pain syndrome, familial, 3. Identifiers: Orphanet 391384, Orphanet 391392, MedGen C3809899, MONDO:0014247, OMIM 615552.
Hereditary sensory and autonomic neuropathy type 7. Also called: HSAN VII; Neuropathy, hereditary sensory and autonomic, type VII. Identifiers: Orphanet 391397, MedGen C3809882, MONDO:0014244, OMIM 615548.

Submission:

Labcorp Genetics (formerly Invitae), Labcorp
Classification: Uncertain significance for Familial episodic pain syndrome with predominantly lower limb involvement; Hereditary sensory and autonomic neuropathy type 7. Last evaluated: 2025-10-01. Review status: criteria provided, single submitter. Criteria: Invitae Variant Classification Sherloc (09022015). Collection method: clinical testing. Allele origin: germline.
Comment: This sequence change replaces valine, which is neutral and non-polar, with leucine, which is neutral and non-polar, at codon 1596 of the SCN11A protein (p.Val1596Leu). This variant is not present in population databases (gnomAD no frequency). This variant has not been reported in the literature in individuals affected with SCN11A-related conditions. Invitae Evidence Modeling of protein sequence and biophysical properties (such as structural, functional, and spatial information, amino acid conservation, physicochemical variation, residue mobility, and thermodynamic stability) indicates that this missense variant is expected to disrupt SCN11A protein function with a positive predictive value of 80%. In summary, the available evidence is currently insufficient to determine the role of this variant in disease. Therefore, it has been classified as a Variant of Uncertain Significance.